The following is an entry in ClinVar:

NM_001393504.1(MAST3):c.3707C>T (p.Pro1236Leu)

Gene: MAST3 (microtubule associated serine/threonine kinase 3; plus strand). Cytogenetic location: 19p13.11.
Variant type: single nucleotide variant.
Coding change: c.3707C>T on transcript NM_001393504.1 (MANE Select); coding-DNA position 3707, C replaced by T.
Protein change: p.Pro1236Leu; replaces proline 1236 with leucine.
Molecular consequence: missense variant.
Genome position (GRCh38, 1-based): chr19:18,149,389, C>T. VCF-style: chr19-18149389-C-T. GRCh37 (hg19) VCF-style: chr19-18260199-C-T.
Other names: c.3731C>T, p.Pro1244Leu (NM_001393501.1); c.3710C>T, p.Pro1237Leu (NM_001393502.1); c.3707C>T, p.Pro1236Leu (NM_001393503.1); c.3677C>T, p.Pro1226Leu (NM_001393505.1); c.3659C>T, p.Pro1220Leu (NM_001393506.1, NM_001393507.1); c.3641C>T, p.Pro1214Leu (NM_001393508.1); c.3638C>T, p.Pro1213Leu (NM_001393509.1, NM_001393510.1); c.3635C>T, p.Pro1212Leu (NM_001393511.1, NM_001393512.1); and 9 more; short protein forms P1189L, P1197L, P1198L, P1203L, P1204L, P1205L, P1206L, P1207L.
Identifiers: ClinVar variation 3364775 (VCV003364775.1).

ClinVar aggregate classification (germline): Uncertain significance (1 of 4 stars; one submission).

Submission:

GeneDx
Classification: Uncertain significance. Last evaluated: 2023-11-21. Review status: criteria provided, single submitter. Criteria: GeneDx Variant Classification Process June 2021. Collection method: clinical testing. Allele origin: germline. Affected: yes.
Comment: Has not been previously published as pathogenic or benign to our knowledge; Not observed at significant frequency in large population cohorts (gnomAD); In silico analysis supports that this missense variant has a deleterious effect on protein structure/function